The following is an entry in ClinVar:

NM_001165963.4(SCN1A):c.2947-41C>T

Gene: SCN1A (sodium voltage-gated channel alpha subunit 1; minus strand). Cytogenetic location: 2q24.3.
Variant type: single nucleotide variant.
Coding change: c.2947-41C>T on transcript NM_001165963.4 (MANE Select); 41 bases into the intron before coding-DNA position 2947, C replaced by T.
Molecular consequence: intron variant.
Genome position (GRCh38, 1-based): chr2:166,036,571, G>A on the plus strand (C>T on the coding strand, the complement: SCN1A is on the minus strand). VCF-style: chr2-166036571-G-A. GRCh37 (hg19) VCF-style: chr2-166893081-G-A.
Other names: c.2914-41C>T (NM_001353949.2, NM_001353950.2, NM_001353951.2 and 2 more transcripts); c.2863-41C>T (NM_001353958.2, NM_001353957.2, NM_001165964.3); c.2947-41C>T (NM_001202435.3, NM_001353948.2, NM_001202435.1); c.2911-41C>T (NM_001353955.2, NM_001353954.2); c.2860-41C>T (NM_001353960.2); c.505-41C>T (NM_001353961.2).
Identifiers: ClinVar variation 487362 (VCV000487362.8), dbSNP rs7601520, ClinGen allele CA1943035.

ClinVar aggregate classification (germline): Benign. Review status: criteria provided, multiple submitters, no conflicts (2 of 4 stars). 4 submissions from 4 submitters: Benign (4). Last evaluated 2024-07-15.

Allele frequency attached by ClinVar (database versions not stated): ESP Exome Variant Server 0.73242; ExAC 0.72220; gnomAD exomes 0.72419 and 0.70223; gnomAD 0.73875 and 0.73882; TOPMed 0.74032; 1000 Genomes Project 30x 0.78732; 1000 Genomes Project 0.78874.
gnomAD v4.1: 1,122,603 of 1,591,596 alleles (71%); highest among the groups gnomAD compares: East Asian, 89%; 398,884 homozygotes.

Submissions (4):

Unidad de Genómica Garrahan, Hospital de Pediatría Garrahan
Classification: Benign. Last evaluated: 2024-07-15. Review status: criteria provided, single submitter. Criteria: ACMG Guidelines, 2015. Collection method: clinical testing. Allele origin: germline. Affected: no. Observed: 83 variant alleles.
Comment: This variant is classified as Benign based on local population frequency. This variant was detected in 89% of patients studied in a panel designed for Epileptic and Developmental Encephalopathy and Progressive Myoclonus Epilepsy. Number of patients: 83. Only high quality variants are reported.

Athena Diagnostics
Classification: Benign. Last evaluated: 2021-03-18. Review status: criteria provided, single submitter. Criteria: Athena Diagnostics Criteria. Collection method: clinical testing. Allele origin: unknown.

GeneDx
Classification: Benign. Last evaluated: 2015-03-03. Review status: criteria provided, single submitter. Criteria: GeneDx Variant Classification Process June 2021. Collection method: clinical testing. Allele origin: germline. Affected: yes.

Breakthrough Genomics
Classification: Benign. Review status: criteria provided, single submitter. Criteria: ACMG Guidelines, 2015. Collection method: not provided. Allele origin: germline. Inheritance: Autosomal dominant inheritance. Affected: yes.